The following is an entry in ClinVar:

ClinVar aggregate classification (germline): Uncertain significance (1 of 4 stars; one submission).

Submission:

GeneDx
Classification: Uncertain significance. Last evaluated: 2024-08-28. Review status: criteria provided, single submitter. Criteria: GeneDx Variant Classification Process June 2021. Collection method: clinical testing. Allele origin: germline. Affected: yes.
Comment: Not observed at significant frequency in large population cohorts (gnomAD); In silico analysis supports that this missense variant has a deleterious effect on protein structure/function; Has not been previously published as pathogenic or benign to our knowledge; This variant is associated with the following publications: (PMID: 27535533)

NM_181332.3(NLGN4X):c.1840C>T (p.Pro614Ser)

Gene: NLGN4X (neuroligin 4 X-linked; minus strand). Cytogenetic location: Xp22.32.
Variant type: single nucleotide variant.
Coding change: c.1840C>T on transcript NM_181332.3 (MANE Select); coding-DNA position 1840, C replaced by T.
Protein change: p.Pro614Ser; replaces proline 614 with serine.
Molecular consequence: missense variant.
Genome position (GRCh38, 1-based): chrX:5,893,428, G>A on the plus strand (C>T on the coding strand, the complement: NLGN4X is on the minus strand). VCF-style: chrX-5893428-G-A. GRCh37 (hg19) VCF-style: chrX-5811469-G-A.
Other names: c.1840C>T, p.Pro614Ser (NM_001282145.2, NM_001282146.2, NM_020742.4); short protein forms P614S.
Identifiers: ClinVar variation 3766098 (VCV003766098.1).